The following is an entry in ClinVar:

NM_004423.4(DVL3):c.5dup (p.Glu3fs)

Gene: DVL3 (dishevelled segment polarity protein 3; plus strand). Cytogenetic location: 3q27.1.
Variant type: Duplication.
Coding change: c.5dup on transcript NM_004423.4 (MANE Select); coding-DNA position 5, one base duplicated (G; older notation c.5dupG).
Protein change: p.Glu3fs; shifts the reading frame from glutamic acid 3.
Molecular consequence: frameshift variant, initiator codon variant.
Genome position (GRCh38, 1-based): chr3:184,155,640, G duplicated; the last of 3 consecutive G bases (chr3:184,155,638-184,155,640); duplicating any one gives the same sequence. VCF-style (leftmost placement, unchanged base first): chr3-184155637-T-TG. GRCh37 (hg19) VCF-style: chr3-183873425-T-TG.
Other names: short protein forms E3fs.
Identifiers: ClinVar variation 3375869 (VCV003375869.1).

ClinVar aggregate classification (germline): Uncertain significance (1 of 4 stars; one submission).

Submission:

GeneDx
Classification: Uncertain significance. Last evaluated: 2024-05-06. Review status: criteria provided, single submitter. Criteria: GeneDx Variant Classification Process June 2021. Collection method: clinical testing. Allele origin: germline. Affected: yes.
Comment: Not observed at significant frequency in large population cohorts (gnomAD); Frameshift variant predicted to result in protein truncation or nonsense mediated decay in a gene or region of a gene for which loss of function is not a well-established mechanism of disease; Has not been previously published as pathogenic or benign to our knowledge